The following is an entry in ClinVar:

NM_006030.4(CACNA2D2):c.783G>A (p.Pro261=)

Gene: CACNA2D2 (calcium voltage-gated channel auxiliary subunit alpha2delta 2; minus strand). Cytogenetic location: 3p21.31.
Variant type: single nucleotide variant.
Coding change: c.783G>A on transcript NM_006030.4 (MANE Select); coding-DNA position 783, G replaced by A.
Protein change: p.Pro261=; no amino-acid change (proline 261 retained).
Molecular consequence: synonymous variant.
Genome position (GRCh38, 1-based): chr3:50,380,996, C>T on the plus strand (G>A on the coding strand, the complement: CACNA2D2 is on the minus strand). VCF-style: chr3-50380996-C-T. GRCh37 (hg19) VCF-style: chr3-50418427-C-T.
Other names: c.783G>A, p.Pro261= (NM_001005505.3, NM_001174051.3); c.576G>A, p.Pro192= (NM_001291101.1).
Identifiers: ClinVar variation 947898 (VCV000947898.6), dbSNP rs370672130, ClinGen allele CA2419088.

ClinVar aggregate classification (germline): Conflicting classifications of pathogenicity. Review status: criteria provided, conflicting classifications (1 of 4 stars). 2 submissions from 2 submitters: Uncertain significance (1); Likely benign (1). Last evaluated 2023-03-21.

Conditions:
Developmental and epileptic encephalopathy. Identifiers: MedGen C5779964, MONDO:0100620.

Allele frequency attached by ClinVar (database versions not stated): gnomAD 0.00001; TOPMed 0.00001; gnomAD exomes 0.00002 and 0.00003; ExAC 0.00003; ESP Exome Variant Server 0.00008.
gnomAD v4.1: 49 of 1,613,594 alleles (0.003%); highest among the groups gnomAD compares: Middle Eastern, 0.016%; no homozygotes.

Submissions (2):

Blueprint Genetics
Classification: Likely benign. Last evaluated: 2023-03-21. Review status: criteria provided, single submitter. Criteria: ACMG Guidelines, 2015. Collection method: clinical testing. Allele origin: germline.

Labcorp Genetics (formerly Invitae), Labcorp
Classification: Uncertain significance for Early-infantile DEE. Last evaluated: 2022-04-14. Review status: criteria provided, single submitter. Criteria: Invitae Variant Classification Sherloc (09022015). Collection method: clinical testing. Allele origin: germline.
Comment: This sequence change affects codon 261 of the CACNA2D2 mRNA. It is a 'silent' change, meaning that it does not change the encoded amino acid sequence of the CACNA2D2 protein. It affects a nucleotide within the consensus splice site. This variant is present in population databases (rs370672130, gnomAD 0.01%). This variant has not been reported in the literature in individuals affected with CACNA2D2-related conditions. ClinVar contains an entry for this variant (Variation ID: 947898). Variants that disrupt the consensus splice site are a relatively common cause of aberrant splicing (PMID: 17576681, 9536098). Algorithms developed to predict the effect of sequence changes on RNA splicing suggest that this variant is not likely to affect RNA splicing. In summary, the available evidence is currently insufficient to determine the role of this variant in disease. Therefore, it has been classified as a Variant of Uncertain Significance.

Literature cited by the submitters: PubMed 17576681 (cited by Labcorp Genetics (formerly Invitae), Labcorp); PubMed 9536098 (cited by Labcorp Genetics (formerly Invitae), Labcorp).